The following is an entry in ClinVar:

NM_014140.4(SMARCAL1):c.776T>C (p.Ile259Thr)

Gene: SMARCAL1 (SNF2 related chromatin remodeling annealing helicase 1; plus strand). Cytogenetic location: 2q35.
Variant type: single nucleotide variant.
Coding change: c.776T>C on transcript NM_014140.4 (MANE Select); coding-DNA position 776, T replaced by C.
Protein change: p.Ile259Thr; replaces isoleucine 259 with threonine.
Molecular consequence: missense variant.
Genome position (GRCh38, 1-based): chr2:216,415,480, T>C. VCF-style: chr2-216415480-T-C. GRCh37 (hg19) VCF-style: chr2-217280203-T-C.
Other names: c.776T>C, p.Ile259Thr (NM_001127207.2); short protein forms I259T.
Identifiers: ClinVar variation 566403 (VCV000566403.9), dbSNP rs750671325, ClinGen allele CA2097657.

ClinVar aggregate classification (germline): Uncertain significance. Review status: criteria provided, multiple submitters, no conflicts (2 of 4 stars). 3 submissions from 3 submitters: Uncertain significance (2). 1 of the submissions does not count toward it. Last evaluated 2025-05-13.

Conditions:
Schimke immuno-osseous dysplasia (SIOD). Also called: Schimke Immunoosseous Dysplasia. Identifiers: Orphanet 1830, MedGen C0877024, MONDO:0009458, OMIM 242900.

Allele frequency attached by ClinVar (database versions not stated): TOPMed below 0.00001; gnomAD exomes 0.00001 and 0.00002; ExAC 0.00002.
gnomAD v4.1: 14 of 1,613,934 alleles (0.00087%); highest among the groups gnomAD compares: Middle Eastern, 0.05%; no homozygotes.

Submissions (3):

Labcorp Genetics (formerly Invitae), Labcorp
Classification: Uncertain significance for Schimke immuno-osseous dysplasia. Last evaluated: 2025-05-13. Review status: criteria provided, single submitter. Criteria: Invitae Variant Classification Sherloc (09022015). Collection method: clinical testing. Allele origin: germline.
Comment: This sequence change replaces isoleucine, which is neutral and non-polar, with threonine, which is neutral and polar, at codon 259 of the SMARCAL1 protein (p.Ile259Thr). This variant is present in population databases (rs750671325, gnomAD 0.007%). This variant has not been reported in the literature in individuals affected with SMARCAL1-related conditions. ClinVar contains an entry for this variant (Variation ID: 566403). Invitae Evidence Modeling of protein sequence and biophysical properties (such as structural, functional, and spatial information, amino acid conservation, physicochemical variation, residue mobility, and thermodynamic stability) indicates that this missense variant is not expected to disrupt SMARCAL1 protein function with a negative predictive value of 80%. In summary, the available evidence is currently insufficient to determine the role of this variant in disease. Therefore, it has been classified as a Variant of Uncertain Significance.

Fulgent Genetics
Classification: Uncertain significance for Schimke immuno-osseous dysplasia. Last evaluated: 2021-10-15. Review status: criteria provided, single submitter. Criteria: ACMG Guidelines, 2015. Collection method: clinical testing. Allele origin: unknown.

Natera, Inc.
Classification: Uncertain significance for Schimke immuno-osseous dysplasia. Last evaluated: 2019-11-11. Review status: no assertion criteria provided. Collection method: clinical testing. Allele origin: germline. Not counted in ClinVar's aggregate classification.